The following is an entry in ClinVar:

ClinVar aggregate classification (germline): Pathogenic. Review status: criteria provided, multiple submitters, no conflicts (2 of 4 stars). 2 submissions from 2 submitters: Pathogenic (2). Last evaluated 2023-12-22.

Conditions:
Fanconi anemia (FA). Also called: Fanconi's anemia. Identifiers: Orphanet 84, MedGen C0015625, MeSH D005199, MONDO:0019391.
Hereditary cancer-predisposing syndrome. Also called: Hereditary Cancer Syndrome; Neoplastic Syndromes, Hereditary; Hereditary neoplastic syndrome; Tumor predisposition. Identifiers: Orphanet 140162, MedGen C0027672, MeSH D009386, MONDO:0015356.

Submissions (2):

Labcorp Genetics (formerly Invitae), Labcorp
Classification: Pathogenic for Fanconi anemia. Last evaluated: 2023-12-22. Review status: criteria provided, single submitter. Criteria: Invitae Variant Classification Sherloc (09022015). Collection method: clinical testing. Allele origin: germline.
Comment: This sequence change creates a premature translational stop signal (p.Glu43Aspfs*3) in the FANCC gene. It is expected to result in an absent or disrupted protein product. Loss-of-function variants in FANCC are known to be pathogenic (PMID: 17924555). This variant is not present in population databases (gnomAD no frequency). This variant has not been reported in the literature in individuals affected with FANCC-related conditions. For these reasons, this variant has been classified as Pathogenic.

Ambry Genetics
Classification: Pathogenic for Hereditary cancer-predisposing syndrome. Last evaluated: 2023-11-21. Review status: criteria provided, single submitter. Criteria: Ambry Variant Classification Scheme 2023. Collection method: clinical testing. Allele origin: germline.
Comment: The c.129_142del14 pathogenic mutation, located in coding exon 1 of the FANCC gene, results from a deletion of 14 nucleotides at nucleotide positions 129 to 142, causing a translational frameshift with a predicted alternate stop codon (p.E43Dfs*3). This variant is considered to be rare based on population cohorts in the Genome Aggregation Database (gnomAD). This alteration is expected to result in loss of function by premature protein truncation or nonsense-mediated mRNA decay. As such, this alteration is interpreted as a disease-causing mutation.

Literature cited by the submitters: PubMed 17924555 (cited by Labcorp Genetics (formerly Invitae), Labcorp).

NM_000136.3(FANCC):c.129_142del (p.Glu43fs)

Gene: FANCC (FA complementation group C; minus strand). Cytogenetic location: 9q22.32.
Variant type: Deletion.
Coding change: c.129_142del on transcript NM_000136.3 (MANE Select); coding-DNA positions 129 to 142, 14 bases deleted (GTTCCTAAGGAAGA).
Protein change: p.Glu43fs; shifts the reading frame from glutamic acid 43.
Molecular consequence: frameshift variant.
Genome position (GRCh38, 1-based): chr9:95,249,150-95,249,163, TCTTCCTTAGGAAC deleted on the plus strand (GTTCCTAAGGAAGA on the coding strand, the reverse complement: FANCC is on the minus strand); deleting any 14 consecutive bases within chr9:95,249,150-95,249,165 gives the same sequence; the c. name uses the placement nearest the transcript's 3' end. VCF-style (leftmost placement, unchanged base first): chr9-95249149-ATCTTCCTTAGGAAC-A. GRCh37 (hg19) VCF-style: chr9-98011431-ATCTTCCTTAGGAAC-A.
Other names: c.129_142del, p.Glu43fs (NM_001243743.2, NM_001243744.2); c.129_142del14 (NM_000136.2); short protein forms E43fs.
Identifiers: ClinVar variation 2743066 (VCV002743066.4), dbSNP rs2542859946, ClinGen allele CA2697557884.